The following is an entry in ClinVar:

ClinVar aggregate classification (germline): Conflicting classifications of pathogenicity. Review status: criteria provided, conflicting classifications (1 of 4 stars). 2 submissions from 2 submitters: Uncertain significance (1); Benign (1). Last evaluated 2026-01-26.

Allele frequency attached by ClinVar (database versions not stated): gnomAD exomes 0.00022 and 0.00071; ExAC 0.00089; 1000 Genomes Project 30x 0.00250; 1000 Genomes Project 0.00260; gnomAD 0.00284 and 0.00305; TOPMed 0.00302; ESP Exome Variant Server 0.00392.
gnomAD v4.1: 777 of 1,613,870 alleles (0.048%); highest among the groups gnomAD compares: African/African-American, 0.93%; 4 homozygotes.

Submissions (2):

Labcorp Genetics (formerly Invitae), Labcorp
Classification: Benign. Last evaluated: 2026-01-26. Review status: criteria provided, single submitter. Criteria: Invitae Variant Classification Sherloc (09022015). Collection method: clinical testing. Allele origin: germline.

GeneDx
Classification: Uncertain significance. Last evaluated: 2022-10-05. Review status: criteria provided, single submitter. Criteria: GeneDx Variant Classification Process June 2021. Collection method: clinical testing. Allele origin: germline. Affected: yes.
Comment: In silico analysis supports that this missense variant has a deleterious effect on protein structure/function; Has not been previously published as pathogenic or benign to our knowledge

NM_003737.4(DCHS1):c.3263C>T (p.Thr1088Ile)

Gene: DCHS1 (dachsous cadherin-related 1; minus strand). Cytogenetic location: 11p15.4.
Variant type: single nucleotide variant.
Coding change: c.3263C>T on transcript NM_003737.4 (MANE Select); coding-DNA position 3263, C replaced by T.
Protein change: p.Thr1088Ile; replaces threonine 1088 with isoleucine.
Molecular consequence: missense variant.
Genome position (GRCh38, 1-based): chr11:6,632,249, G>A on the plus strand (C>T on the coding strand, the complement: DCHS1 is on the minus strand). VCF-style: chr11-6632249-G-A. GRCh37 (hg19) VCF-style: chr11-6653480-G-A.
Other names: short protein forms T1088I.
Identifiers: ClinVar variation 776572 (VCV000776572.14), dbSNP rs150912028, ClinGen allele CA5860578.